The following is an entry in ClinVar:

NM_000419.5(ITGA2B):c.3001_3010dup (p.Val1004fs)

Gene: ITGA2B (integrin subunit alpha 2b; minus strand). Cytogenetic location: 17q21.31.
Variant type: Microsatellite.
Coding change: c.3001_3010dup on transcript NM_000419.5 (MANE Select); coding-DNA positions 3001 to 3010, 10 bases duplicated (CTGGTGGGTG; older notation c.3001_3010dupCTGGTGGGTG).
Protein change: p.Val1004fs; shifts the reading frame from valine 1004.
Molecular consequence: frameshift variant.
Genome position (GRCh38, 1-based): chr17:44,374,404-44,374,413, CACCCACCAG duplicated on the plus strand (CTGGTGGGTG on the coding strand, the reverse complement: ITGA2B is on the minus strand); duplicating any 10 consecutive bases within chr17:44,374,404-44,374,423 gives the same sequence; the c. name uses the placement nearest the transcript's 3' end. VCF-style (leftmost placement, unchanged base first): chr17-44374403-A-ACACCCACCAG. GRCh37 (hg19) VCF-style: chr17-42451771-A-ACACCCACCAG.
Other names: NM_000419.5:c.3001_3010dup; short protein forms V1004fs.
Identifiers: ClinVar variation 3391415 (VCV003391415.2).

ClinVar aggregate classification (germline): Pathogenic (3 of 4 stars; one submission).

Conditions:
Glanzmann thrombasthenia. Also called: BLEEDING DISORDER, PLATELET-TYPE, 2; THROMBASTHENIA OF GLANZMANN AND NAEGELI; Thrombasthenia; Glanzmann's thrombasthenia; PLATELET GLYCOPROTEIN IIb-IIIa DEFICIENCY. Identifiers: Orphanet 849, MedGen C0040015, MONDO:0100326.

Submission:

ClinGen Platelet Disorders Variant Curation Expert Panel, ClinGen
Classification: Pathogenic for Glanzmann thrombasthenia. Last evaluated: 2025-06-17. Review status: reviewed by expert panel. Criteria: ClinGen Platelet ACMG Specifications v2-1. Collection method: curation. Allele origin: germline. Inheritance: Autosomal recessive inheritance.
Comment: The c.3001_3010dup (p.Val1004AlafsTer35) variant in ITGA2B is a frameshift variant that may cause loss of function of the protein It is predicted to escape nonsense mediated decay and remove <10% of the protein, however it alters the transmembrane domain at c.2980-3057 (PVS1_Strong). At least one patient (Patient 9 in PMID: 36672149) with this variant displayed mucocutaneous bleeding and impaired aggregation with all agonists except ristocetin, which is highly specific for Glanzmann thrombasthenia. Additionally, there was absence of GPIIbIIIa platelet surface expression by flow cytometry and ITGA2B and ITGB3 were reported to be sequenced across all exons and intron/exon boundaries (PP4_Strong). The highest population minor allele frequency in gnomAD v4.1.0 is 0.00002229 (1/44870 alleles) in the East Asian population, which is lower than the ClinGen PD VCEP threshold (<0.0001; PM2_Supporting). In summary, this variant meets the criteria to be classified as Pathogenic for autosomal recessive Glanzmann Thrombasthenia based on the ACMG/AMP criteria applied, as specified by the ClinGen PD VCEP: PVS1_Strong, PP4_Strong, PM2_Supporting and PM3_Supporting.